The following is an entry in ClinVar:

NM_004064.5(CDKN1B):c.579C>T (p.Leu193=)

Gene: CDKN1B (cyclin dependent kinase inhibitor 1B; plus strand). Cytogenetic location: 12p13.1.
Variant type: single nucleotide variant.
Coding change: c.579C>T on transcript NM_004064.5 (MANE Select); coding-DNA position 579, C replaced by T.
Protein change: p.Leu193=; no amino-acid change (leucine 193 retained).
Molecular consequence: synonymous variant.
Genome position (GRCh38, 1-based): chr12:12,718,928, C>T. VCF-style: chr12-12718928-C-T. GRCh37 (hg19) VCF-style: chr12-12871862-C-T.
Identifiers: ClinVar variation 697658 (VCV000697658.14), dbSNP rs201701670, ClinGen allele CA6457574.

ClinVar aggregate classification (germline): Likely benign. Review status: criteria provided, multiple submitters, no conflicts (2 of 4 stars). 3 submissions from 3 submitters: Likely benign (3). Last evaluated 2025-12-26.

Conditions:
Hereditary cancer-predisposing syndrome. Also called: Tumor predisposition; Hereditary neoplastic syndrome; Hereditary Cancer Syndrome; Neoplastic Syndromes, Hereditary. Identifiers: Orphanet 140162, MedGen C0027672, MeSH D009386, MONDO:0015356.
CDKN1B-related disorder. Also called: CDKN1B-related condition.
Multiple endocrine neoplasia type 4. Also called: MULTIPLE ENDOCRINE NEOPLASIA, TYPE IV. Identifiers: Orphanet 276152, MedGen C1970712, MONDO:0012552, OMIM 610755.

Allele frequency attached by ClinVar (database versions not stated): gnomAD 0.00001; gnomAD exomes 0.00001; TOPMed 0.00001; 1000 Genomes Project 0.00020; 1000 Genomes Project 30x 0.00031; ExAC 0.00001.

Submissions (3):

Labcorp Genetics (formerly Invitae), Labcorp
Classification: Likely benign for Multiple endocrine neoplasia type 4. Last evaluated: 2025-12-26. Review status: criteria provided, single submitter. Criteria: Invitae Variant Classification Sherloc (09022015). Collection method: clinical testing. Allele origin: germline.

PreventionGenetics, part of Exact Sciences
Classification: Likely benign for CDKN1B-related condition. Last evaluated: 2025-01-15. Review status: criteria provided, single submitter. Criteria: ACMG Guidelines, 2015. Collection method: clinical testing. Allele origin: germline.
Comment: This variant is classified as likely benign based on ACMG/AMP sequence variant interpretation guidelines (Richards et al. 2015 PMID: 25741868, with internal and published modifications).

Ambry Genetics
Classification: Likely benign for Hereditary cancer-predisposing syndrome. Last evaluated: 2020-08-18. Review status: criteria provided, single submitter. Criteria: Ambry Variant Classification Scheme 2023. Collection method: clinical testing. Allele origin: germline.